The following is an entry in ClinVar:

ClinVar aggregate classification (germline): Uncertain significance (1 of 4 stars; one submission).

Allele frequency attached by ClinVar (database versions not stated): gnomAD exomes 0.00001; ExAC 0.00002; TOPMed 0.00005; gnomAD 0.00002.
gnomAD v4.1: 14 of 1,607,006 alleles (0.00087%); highest among the groups gnomAD compares: Admixed American, 0.012%; no homozygotes.

Submission:

Labcorp Genetics (formerly Invitae), Labcorp
Classification: Uncertain significance. Last evaluated: 2022-03-04. Review status: criteria provided, single submitter. Criteria: Invitae Variant Classification Sherloc (09022015). Collection method: clinical testing. Allele origin: germline.
Comment: In summary, the available evidence is currently insufficient to determine the role of this variant in disease. Therefore, it has been classified as a Variant of Uncertain Significance. Variants that disrupt the consensus splice site are a relatively common cause of aberrant splicing (PMID: 17576681, 9536098). Algorithms developed to predict the effect of sequence changes on RNA splicing suggest that this variant is not likely to affect RNA splicing. This variant has not been reported in the literature in individuals affected with ORC4-related conditions. This variant is present in population databases (rs750621033, gnomAD 0.009%). This sequence change falls in intron 9 of the ORC4 gene. It does not directly change the encoded amino acid sequence of the ORC4 protein. It affects a nucleotide within the consensus splice site.

Literature cited by the submitters: PubMed 17576681; PubMed 9536098.

NM_181741.4(ORC4):c.762+6T>C

Gene: ORC4 (origin recognition complex subunit 4; minus strand). Cytogenetic location: 2q23.1.
Variant type: single nucleotide variant.
Coding change: c.762+6T>C on transcript NM_181741.4 (MANE Select); 6 bases into the intron after coding-DNA position 762, T replaced by C.
Molecular consequence: intron variant.
Genome position (GRCh38, 1-based): chr2:147,948,045, A>G on the plus strand (T>C on the coding strand, the complement: ORC4 is on the minus strand). VCF-style: chr2-147948045-A-G. GRCh37 (hg19) VCF-style: chr2-148705614-A-G.
Other names: c.762+6T>C (NM_181742.4, NM_001190879.3, NM_002552.5 and 1 more transcripts); c.510+6T>C (NM_001190881.3, NM_001374272.1); c.540+6T>C (NM_001190882.3).
Identifiers: ClinVar variation 1981660 (VCV001981660.2), dbSNP rs750621033, ClinGen allele CA1899529.